The following is an entry in ClinVar:

ClinVar aggregate classification (germline): Benign/Likely benign. Review status: criteria provided, multiple submitters, no conflicts (2 of 4 stars). 3 submissions from 3 submitters: Benign (2); Likely benign (1). Last evaluated 2025-02-04.

Conditions:
Pitt-Hopkins syndrome (PTHS). Also called: MENTAL RETARDATION, SYNDROMAL, WITH INTERMITTENT HYPERVENTILATION; ENCEPHALOPATHY, SEVERE EPILEPTIC, WITH AUTONOMIC DYSFUNCTION. Identifiers: Orphanet 2896, MedGen C1970431, MONDO:0012589, OMIM 610954.

Allele frequency attached by ClinVar (database versions not stated): gnomAD below 0.00001 and 0.00003; TOPMed below 0.00001; gnomAD exomes 0.00008 and 0.00017; ExAC 0.00022.
gnomAD v4.1: 124 of 1,614,170 alleles (0.0077%); highest among the groups gnomAD compares: South Asian, 0.13%; no homozygotes.

Submissions (3):

Labcorp Genetics (formerly Invitae), Labcorp
Classification: Benign for Pitt-Hopkins syndrome. Last evaluated: 2025-02-04. Review status: criteria provided, single submitter. Criteria: Invitae Variant Classification Sherloc (09022015). Collection method: clinical testing. Allele origin: germline.

CeGaT Center for Human Genetics Tuebingen
Classification: Likely benign. Last evaluated: 2024-07-01. Review status: criteria provided, single submitter. Criteria: CeGaT Center For Human Genetics Tuebingen Variant Classification Criteria Version 2. Collection method: clinical testing. Allele origin: germline. Affected: yes. Observed: 1 variant allele.
Comment: TCF4: BP4, BP7, BS1

Illumina Laboratory Services, Illumina
Classification: Benign for Pitt-Hopkins syndrome. Last evaluated: 2018-01-13. Review status: criteria provided, single submitter. Criteria: ICSL Variant Classification Criteria 13 December 2019. Collection method: clinical testing. Allele origin: germline.
Comment: This variant was observed in the ICSL laboratory as part of a predisposition screen in an ostensibly healthy population. It had not been previously curated by ICSL or reported in the Human Gene Mutation Database (HGMD: prior to June 1st, 2018), and was therefore a candidate for classification through an automated scoring system. Utilizing variant allele frequency, disease prevalence and penetrance estimates, and inheritance mode, an automated score was calculated to assess if this variant is too frequent to cause the disease. Based on the score and internal cut-off values, a variant classified as benign is not then subjected to further curation. The score for this variant resulted in a classification of benign for this disease.

NM_001083962.2(TCF4):c.1501C>T (p.Leu501=)

Gene: TCF4 (transcription factor 4; minus strand). Cytogenetic location: 18q21.2.
Variant type: single nucleotide variant.
Coding change: c.1501C>T on transcript NM_001083962.2 (MANE Select); coding-DNA position 1501, C replaced by T.
Protein change: p.Leu501=; no amino-acid change (leucine 501 retained).
Molecular consequence: synonymous variant.
Genome position (GRCh38, 1-based): chr18:55,232,657, G>A on the plus strand (C>T on the coding strand, the complement: TCF4 is on the minus strand). VCF-style: chr18-55232657-G-A. GRCh37 (hg19) VCF-style: chr18-52899888-G-A.
Other names: c.1807C>T, p.Leu603= (NM_001243226.3); c.1429C>T, p.Leu477= (NM_001243227.2, NM_001306207.1, NM_001348217.1 and 5 more transcripts); c.1519C>T, p.Leu507= (NM_001243228.2); c.1492C>T, p.Leu498= (NM_001243230.2); c.1375C>T, p.Leu459= (NM_001243231.2, NM_001348211.2); c.1288C>T, p.Leu430= (NM_001243232.1, NM_001306208.1); c.1111C>T, p.Leu371= (NM_001243233.2, NM_001330605.3, NM_001348212.2 and 1 more transcripts); c.1021C>T, p.Leu341= (NM_001243234.2, NM_001243235.2, NM_001243236.2 and 1 more transcripts); and 6 more.
Identifiers: ClinVar variation 890096 (VCV000890096.29), dbSNP rs781382144, ClinGen allele CA8970176.
Genomic context (GRCh38, chr18:55,232,657, plus strand): 5'-CATCACCCTCGTCATCGGATTTGATCTCAGAGCTGCCAGAGGAGACACTCTGCCCCTGTA[G>A]TCCTGGTGGCATGCCTGCCGAAAAAGAGAAATCAGGTGACATGTACACCACAATCTCACT-3'
Protein context (NP_001077431.1, residues 491-511): QDPYRGMPPG[Leu501=]QGQSVSSGSS